The following is an entry in ClinVar:

ClinVar aggregate classification (germline): Uncertain significance. Review status: criteria provided, multiple submitters, no conflicts (2 of 4 stars). 2 submissions from 2 submitters: Uncertain significance (2). Last evaluated 2025-11-01.

Conditions:
Inborn genetic diseases. Identifiers: MedGen C0950123, MeSH D030342.

Allele frequency attached by ClinVar (database versions not stated): gnomAD exomes 0.00002; gnomAD 0.00004; TOPMed 0.00006; ExAC 0.00007; ESP Exome Variant Server 0.00008; 1000 Genomes Project 0.00020; 1000 Genomes Project 30x 0.00031.
gnomAD v4.1: 42 of 1,597,146 alleles (0.0026%); highest among the groups gnomAD compares: Admixed American, 0.0052%; no homozygotes.

Submissions (2):

Labcorp Genetics (formerly Invitae), Labcorp
Classification: Uncertain significance. Last evaluated: 2025-11-01. Review status: criteria provided, single submitter. Criteria: Invitae Variant Classification Sherloc (09022015). Collection method: clinical testing. Allele origin: germline.
Comment: This sequence change replaces alanine, which is neutral and non-polar, with valine, which is neutral and non-polar, at codon 972 of the AP3D1 protein (p.Ala972Val). This variant is present in population databases (rs201826090, gnomAD 0.008%). This variant has not been reported in the literature in individuals affected with AP3D1-related conditions. ClinVar contains an entry for this variant (Variation ID: 1899476). An algorithm developed to predict the effect of missense changes on protein structure and function (PolyPhen-2) suggests that this variant is likely to be tolerated. In summary, the available evidence is currently insufficient to determine the role of this variant in disease. Therefore, it has been classified as a Variant of Uncertain Significance.

Ambry Genetics
Classification: Uncertain significance for Inborn genetic diseases. Last evaluated: 2024-03-04. Review status: criteria provided, single submitter. Criteria: Ambry Variant Classification Scheme 2023. Collection method: clinical testing. Allele origin: germline.

NM_001261826.3(AP3D1):c.2915C>T (p.Ala972Val)

Gene: AP3D1 (adaptor related protein complex 3 subunit delta 1; minus strand). Cytogenetic location: 19p13.3.
Variant type: single nucleotide variant.
Coding change: c.2915C>T on transcript NM_001261826.3 (MANE Select); coding-DNA position 2915, C replaced by T.
Protein change: p.Ala972Val; replaces alanine 972 with valine.
Molecular consequence: missense variant.
Genome position (GRCh38, 1-based): chr19:2,111,701, G>A on the plus strand (C>T on the coding strand, the complement: AP3D1 is on the minus strand). VCF-style: chr19-2111701-G-A. GRCh37 (hg19) VCF-style: chr19-2111700-G-A.
Other names: c.2879C>T, p.Ala960Val (NM_001374799.1); c.2729C>T, p.Ala910Val (NM_003938.8); c.2729C>T (NM_003938.5); short protein forms A972V, A960V, A910V.
Identifiers: ClinVar variation 1899476 (VCV001899476.6), dbSNP rs201826090, ClinGen allele CA9058677.